The following is an entry in ClinVar:

ClinVar aggregate classification (germline): Uncertain significance (1 of 4 stars; one submission).

Conditions:
Inborn genetic diseases. Identifiers: MedGen C0950123, MeSH D030342.

Submission:

Ambry Genetics
Classification: Uncertain significance for Inborn genetic diseases. Last evaluated: 2024-12-06. Review status: criteria provided, single submitter. Criteria: Ambry Variant Classification Scheme 2023. Collection method: clinical testing. Allele origin: germline.
Comment: The p.K103I variant (also known as c.308A>T), located in coding exon 3 of the PAX5 gene, results from an A to T substitution at nucleotide position 308. The lysine at codon 103 is replaced by isoleucine, an amino acid with dissimilar properties. This amino acid position is conserved. In addition, this alteration is predicted to be deleterious by in silico analysis. Based on the available evidence, the clinical significance of this variant remains unclear.

NM_016734.3(PAX5):c.308A>T (p.Lys103Ile)

Gene: PAX5 (paired box 5; minus strand). Cytogenetic location: 9p13.2.
Variant type: single nucleotide variant.
Coding change: c.308A>T on transcript NM_016734.3 (MANE Select); coding-DNA position 308, A replaced by T.
Protein change: p.Lys103Ile; replaces lysine 103 with isoleucine.
Molecular consequence: missense variant. On other transcripts: 5 prime UTR variant (2), non-coding transcript variant (2), intron variant (1).
Genome position (GRCh38, 1-based): chr9:37,015,099, T>A on the plus strand (A>T on the coding strand, the complement: PAX5 is on the minus strand). VCF-style: chr9-37015099-T-A. GRCh37 (hg19) VCF-style: chr9-37015096-T-A.
Other names: c.308A>T, p.Lys103Ile (NM_001280547.2, NM_001280548.2, NM_001280549.2 and 4 more transcripts); c.-17A>T (NM_001280551.2, NM_001280556.2); c.212+5537A>T (NM_001280555.2); short protein forms K103I.
Identifiers: ClinVar variation 3414553 (VCV003414553.1).